The following is an entry in ClinVar:

ClinVar aggregate classification (germline): Uncertain significance (1 of 4 stars; one submission).

Submission:

Labcorp Genetics (formerly Invitae), Labcorp
Classification: Uncertain significance. Last evaluated: 2024-02-24. Review status: criteria provided, single submitter. Criteria: Invitae Variant Classification Sherloc (09022015). Collection method: clinical testing. Allele origin: germline.
Comment: This sequence change replaces glycine, which is neutral and non-polar, with valine, which is neutral and non-polar, at codon 764 of the TMPRSS6 protein (p.Gly764Val). This variant is not present in population databases (gnomAD no frequency). This variant has not been reported in the literature in individuals affected with TMPRSS6-related conditions. Advanced modeling of protein sequence and biophysical properties (such as structural, functional, and spatial information, amino acid conservation, physicochemical variation, residue mobility, and thermodynamic stability) performed at Invitae indicates that this missense variant is expected to disrupt TMPRSS6 protein function with a positive predictive value of 80%. In summary, the available evidence is currently insufficient to determine the role of this variant in disease. Therefore, it has been classified as a Variant of Uncertain Significance.

NM_001374504.1(TMPRSS6):c.2264G>T (p.Gly755Val)

Gene: TMPRSS6 (transmembrane serine protease 6; minus strand). Cytogenetic location: 22q12.3.
Variant type: single nucleotide variant.
Coding change: c.2264G>T on transcript NM_001374504.1 (MANE Select); coding-DNA position 2264, G replaced by T.
Protein change: p.Gly755Val; replaces glycine 755 with valine.
Molecular consequence: missense variant.
Genome position (GRCh38, 1-based): chr22:37,066,225, C>A on the plus strand (G>T on the coding strand, the complement: TMPRSS6 is on the minus strand). VCF-style: chr22-37066225-C-A. GRCh37 (hg19) VCF-style: chr22-37462265-C-A.
Other names: c.2330G>T, p.Gly777Val (NM_001289000.2); c.2264G>T, p.Gly755Val (NM_001289001.2, NM_153609.4); short protein forms G777V, G755V.
Identifiers: ClinVar variation 3643141 (VCV003643141.2).